The following is an entry in ClinVar:

ClinVar aggregate classification (germline): Uncertain significance (1 of 4 stars; one submission).

Submission:

Labcorp Genetics (formerly Invitae), Labcorp
Classification: Uncertain significance. Last evaluated: 2022-07-10. Review status: criteria provided, single submitter. Criteria: Invitae Variant Classification Sherloc (09022015). Collection method: clinical testing. Allele origin: germline.
Comment: In summary, the available evidence is currently insufficient to determine the role of this variant in disease. Therefore, it has been classified as a Variant of Uncertain Significance. This variant has not been reported in the literature in individuals affected with POGLUT1-related conditions. Algorithms developed to predict the effect of sequence changes on RNA splicing suggest that this variant may disrupt the consensus splice site. This variant is not present in population databases (gnomAD no frequency). This sequence change falls in intron 6 of the POGLUT1 gene. It does not directly change the encoded amino acid sequence of the POGLUT1 protein.

NM_152305.3(POGLUT1):c.639-8T>C

Gene: POGLUT1 (protein O-glucosyltransferase 1; plus strand). Cytogenetic location: 3q13.33.
Variant type: single nucleotide variant.
Coding change: c.639-8T>C on transcript NM_152305.3 (MANE Select); 8 bases into the intron before coding-DNA position 639, T replaced by C.
Molecular consequence: intron variant.
Genome position (GRCh38, 1-based): chr3:119,486,825, T>C. VCF-style: chr3-119486825-T-C. GRCh37 (hg19) VCF-style: chr3-119205672-T-C.
Identifiers: ClinVar variation 2012357 (VCV002012357.4), dbSNP rs2473043056, ClinGen allele CA2580068595.
Genomic context (GRCh38, chr3:119,486,825, plus strand): 5'-CTTTCAGGGATTGGGAACAGTTTTCTAATACAGGCCACACAGTTTTATGTCACGTGTTTC[T>C]TTTATAGGACAAGTCCAGAACGAGATCCTCTCATTCTTCTGTCTCGGAAAAACCCAAAAC-3'